The following is an entry in ClinVar:

NM_172364.5(CACNA2D4):c.541G>T (p.Val181Leu)

Gene: CACNA2D4 (calcium voltage-gated channel auxiliary subunit alpha2delta 4; minus strand). Cytogenetic location: 12p13.33.
Variant type: single nucleotide variant.
Coding change: c.541G>T on transcript NM_172364.5 (MANE Select); coding-DNA position 541, G replaced by T.
Protein change: p.Val181Leu; replaces valine 181 with leucine.
Molecular consequence: missense variant.
Genome position (GRCh38, 1-based): chr12:1,907,983, C>A on the plus strand (G>T on the coding strand, the complement: CACNA2D4 is on the minus strand). VCF-style: chr12-1907983-C-A. GRCh37 (hg19) VCF-style: chr12-2017149-C-A.
Other names: short protein forms V181L.
Identifiers: ClinVar variation 3612973 (VCV003612973.2).

ClinVar aggregate classification (germline): Uncertain significance (1 of 4 stars; one submission).

Submission:

Labcorp Genetics (formerly Invitae), Labcorp
Classification: Uncertain significance. Last evaluated: 2024-04-25. Review status: criteria provided, single submitter. Criteria: Invitae Variant Classification Sherloc (09022015). Collection method: clinical testing. Allele origin: germline.
Comment: This sequence change replaces valine, which is neutral and non-polar, with leucine, which is neutral and non-polar, at codon 181 of the CACNA2D4 protein (p.Val181Leu). The frequency data for this variant in the population databases is considered unreliable, as metrics indicate poor data quality at this position in the gnomAD database. This variant has not been reported in the literature in individuals affected with CACNA2D4-related conditions. An algorithm developed to predict the effect of missense changes on protein structure and function (PolyPhen-2) suggests that this variant is likely to be tolerated. In summary, the available evidence is currently insufficient to determine the role of this variant in disease. Therefore, it has been classified as a Variant of Uncertain Significance.